The following is an entry in ClinVar:

ClinVar aggregate classification (germline): Uncertain significance (1 of 4 stars; one submission).

Allele frequency attached by ClinVar (database versions not stated): TOPMed below 0.00001.

Submission:

Labcorp Genetics (formerly Invitae), Labcorp
Classification: Uncertain significance. Last evaluated: 2025-10-01. Review status: criteria provided, single submitter. Criteria: Invitae Variant Classification Sherloc (09022015). Collection method: clinical testing. Allele origin: germline.
Comment: This sequence change replaces leucine, which is neutral and non-polar, with valine, which is neutral and non-polar, at codon 174 of the PTPN23 protein (p.Leu174Val). This variant is not present in population databases (gnomAD no frequency). This variant has not been reported in the literature in individuals affected with PTPN23-related conditions. ClinVar contains an entry for this variant (Variation ID: 2016133). Experimental studies and prediction algorithms are not available or were not evaluated, and the functional significance of this variant is currently unknown. In summary, the available evidence is currently insufficient to determine the role of this variant in disease. Therefore, it has been classified as a Variant of Uncertain Significance.

NM_015466.4(PTPN23):c.520C>G (p.Leu174Val)

Gene: PTPN23 (protein tyrosine phosphatase non-receptor type 23; plus strand). Cytogenetic location: 3p21.31.
Variant type: single nucleotide variant.
Coding change: c.520C>G on transcript NM_015466.4 (MANE Select); coding-DNA position 520, C replaced by G.
Protein change: p.Leu174Val; replaces leucine 174 with valine.
Molecular consequence: missense variant.
Genome position (GRCh38, 1-based): chr3:47,406,020, C>G. VCF-style: chr3-47406020-C-G. GRCh37 (hg19) VCF-style: chr3-47447510-C-G.
Other names: c.142C>G, p.Leu48Val (NM_001304482.2); short protein forms L174V, L48V.
Identifiers: ClinVar variation 2016133 (VCV002016133.4), dbSNP rs1705113809, ClinGen allele CA352543474.